The following is an entry in ClinVar:

ClinVar aggregate classification (germline): Uncertain significance (1 of 4 stars; one submission).

Conditions:
Early-infantile DEE. Also called: Ohtahara syndrome; Early infantile epileptic encephalopathy; Early infantile epileptic encephalopathy with suppression bursts. Identifiers: Orphanet 1934, MedGen C0393706, MONDO:0800491.

Submission:

Labcorp Genetics (formerly Invitae), Labcorp
Classification: Uncertain significance for Early-infantile DEE. Last evaluated: 2020-06-25. Review status: criteria provided, single submitter. Criteria: Invitae Variant Classification Sherloc (09022015). Collection method: clinical testing. Allele origin: germline.
Comment: This sequence change replaces serine with proline at codon 551 of the KCNQ2 protein (p.Ser551Pro). The serine residue is moderately conserved and there is a moderate physicochemical difference between serine and proline. This variant is not present in population databases (ExAC no frequency). This variant has not been reported in the literature in individuals with KCNQ2-related conditions. Algorithms developed to predict the effect of missense changes on protein structure and function are either unavailable or do not agree on the potential impact of this missense change (SIFT: "Deleterious"; PolyPhen-2: "Benign"; Align-GVGD: "Class C0"). In summary, the available evidence is currently insufficient to determine the role of this variant in disease. Therefore, it has been classified as a Variant of Uncertain Significance.

NM_172107.4(KCNQ2):c.1651T>C (p.Ser551Pro)

Gene: KCNQ2 (potassium voltage-gated channel subfamily Q member 2; minus strand). Cytogenetic location: 20q13.33.
Variant type: single nucleotide variant.
Coding change: c.1651T>C on transcript NM_172107.4 (MANE Select); coding-DNA position 1651, T replaced by C.
Protein change: p.Ser551Pro; replaces serine 551 with proline.
Molecular consequence: missense variant.
Genome position (GRCh38, 1-based): chr20:63,413,562, A>G on the plus strand (T>C on the coding strand, the complement: KCNQ2 is on the minus strand). VCF-style: chr20-63413562-A-G. GRCh37 (hg19) VCF-style: chr20-62044915-A-G.
Other names: c.1597T>C, p.Ser533Pro (NM_001382235.1, NM_172106.3); c.1567T>C, p.Ser523Pro (NM_004518.6); c.1558T>C, p.Ser520Pro (NM_172108.5); short protein forms S520P, S523P, S533P, S551P.
Identifiers: ClinVar variation 1034586 (VCV001034586.9), dbSNP rs2080190604, ClinGen allele CA409644008.